The following is an entry in ClinVar:

NM_004183.4(BEST1):c.1739+189C>T

Gene: BEST1 (bestrophin 1; plus strand). Cytogenetic location: 11q12.3.
Variant type: single nucleotide variant.
Coding change: c.1739+189C>T on transcript NM_004183.4 (MANE Select); 189 bases into the intron after coding-DNA position 1739, C replaced by T.
Molecular consequence: intron variant. On other transcripts: missense variant (3).
Genome position (GRCh38, 1-based): chr11:61,963,082, C>T. VCF-style: chr11-61963082-C-T. GRCh37 (hg19) VCF-style: chr11-61730554-C-T.
Other names: c.1748C>T, p.Ser583Leu (NM_001139443.3); c.1610C>T, p.Ser537Leu (NM_001363591.3); c.*823C>T (NM_001363592.2); c.956C>T, p.Ser319Leu (NM_001363593.3); c.1559+189C>T (NM_001300787.2); c.1478+189C>T (NM_001300786.2); short protein forms S583L, S319L, S537L.
Identifiers: ClinVar variation 100562 (VCV000100562.8), dbSNP rs137853901, ClinGen allele CA228881.

ClinVar aggregate classification (germline): Likely benign. Review status: criteria provided, multiple submitters, no conflicts (2 of 4 stars). 5 submissions from 5 submitters: Likely benign (3). 2 of the submissions do not count toward it. Last evaluated 2024-08-23.

Conditions:
BEST1-related disorder. Also called: BEST1-related disorders; BEST1-related condition. Identifiers: MedGen CN239200.

Allele frequency attached by ClinVar (database versions not stated): gnomAD exomes 0.00050; gnomAD 0.00114 and 0.00116; ExAC 0.00115; ESP Exome Variant Server 0.00131; TOPMed 0.00145; 1000 Genomes Project 30x 0.00219; 1000 Genomes Project 0.00220.
gnomAD v4.1: 400 of 1,475,040 alleles (0.027%); highest among the groups gnomAD compares: African/African-American, 0.42%; 1 homozygote.

Submissions (5):

Blueprint Genetics
Classification: Likely benign. Last evaluated: 2024-08-23. Review status: criteria provided, single submitter. Criteria: ACMG Guidelines, 2015. Collection method: clinical testing. Allele origin: germline.

GeneDx
Classification: Likely benign. Last evaluated: 2019-08-06. Review status: criteria provided, single submitter. Criteria: GeneDx Variant Classification Process June 2021. Collection method: clinical testing. Allele origin: germline. Affected: yes.

Breakthrough Genomics
Classification: Likely benign. Review status: criteria provided, single submitter. Criteria: ACMG Guidelines, 2015. Collection method: not provided. Allele origin: germline. Inheritance: Autosomal dominant inheritance. Affected: yes.

PreventionGenetics, part of Exact Sciences
Classification: Likely benign for BEST1-related condition. Last evaluated: 2023-02-08. Review status: no assertion criteria provided. Collection method: clinical testing. Allele origin: germline. Not counted in ClinVar's aggregate classification.
Comment: This variant is classified as likely benign based on ACMG/AMP sequence variant interpretation guidelines (Richards et al. 2015 PMID: 25741868, with internal and published modifications).

NEI Ophthalmic Genomics Laboratory, National Institutes of Health
No classification provided. Review status: no classification provided. Collection method: not provided. Allele origin: not provided. Not counted in ClinVar's aggregate classification.